The following is an entry in ClinVar:

ClinVar aggregate classification (germline): Uncertain significance (1 of 4 stars; one submission).

Allele frequency attached by ClinVar (database versions not stated): gnomAD exomes 0.00001 and 0.00004; ExAC 0.00005; gnomAD 0.00008 and 0.00009; TOPMed 0.00012; ESP Exome Variant Server 0.00015.
gnomAD v4.1: 21 of 1,614,016 alleles (0.0013%); highest among the groups gnomAD compares: African/African-American, 0.027%; no homozygotes.

Submission:

Labcorp Genetics (formerly Invitae), Labcorp
Classification: Uncertain significance. Last evaluated: 2022-02-09. Review status: criteria provided, single submitter. Criteria: Invitae Variant Classification Sherloc (09022015). Collection method: clinical testing. Allele origin: germline.
Comment: This sequence change replaces serine, which is neutral and polar, with alanine, which is neutral and non-polar, at codon 886 of the ADAMTS18 protein (p.Ser886Ala). This variant is present in population databases (rs375932781, gnomAD 0.04%). ClinVar contains an entry for this variant (Variation ID: 1005046). This variant has not been reported in the literature in individuals affected with ADAMTS18-related conditions. Algorithms developed to predict the effect of missense changes on protein structure and function are either unavailable or do not agree on the potential impact of this missense change (SIFT: "Not Available"; PolyPhen-2: "Benign"; Align-GVGD: "Not Available"). In summary, the available evidence is currently insufficient to determine the role of this variant in disease. Therefore, it has been classified as a Variant of Uncertain Significance.

NM_199355.4(ADAMTS18):c.2656T>G (p.Ser886Ala)

Gene: ADAMTS18 (ADAM metallopeptidase with thrombospondin type 1 motif 18; minus strand). Cytogenetic location: 16q23.1.
Variant type: single nucleotide variant.
Coding change: c.2656T>G on transcript NM_199355.4 (MANE Select); coding-DNA position 2656, T replaced by G.
Protein change: p.Ser886Ala; replaces serine 886 with alanine.
Molecular consequence: missense variant.
Genome position (GRCh38, 1-based): chr16:77,300,281, A>C on the plus strand (T>G on the coding strand, the complement: ADAMTS18 is on the minus strand). VCF-style: chr16-77300281-A-C. GRCh37 (hg19) VCF-style: chr16-77334178-A-C.
Other names: c.2140T>G, p.Ser714Ala (NM_001326358.2); short protein forms S714A, S886A.
Identifiers: ClinVar variation 1005046 (VCV001005046.5), dbSNP rs375932781, ClinGen allele CA8180802.